The following is an entry in ClinVar:

ClinVar aggregate classification (germline): Uncertain significance. Review status: criteria provided, multiple submitters, no conflicts (2 of 4 stars). 2 submissions from 2 submitters: Uncertain significance (2). Last evaluated 2025-12-09.

Conditions:
Hereditary cancer-predisposing syndrome. Also called: Neoplastic Syndromes, Hereditary; Tumor predisposition; Hereditary neoplastic syndrome; Hereditary Cancer Syndrome. Identifiers: Orphanet 140162, MedGen C0027672, MeSH D009386, MONDO:0015356.
Familial adenomatous polyposis 1 (FAP1). Also called: POLYPOSIS, ADENOMATOUS INTESTINAL; FAMILIAL ADENOMATOUS POLYPOSIS 1, ATTENUATED. Identifiers: MedGen C2713442, MONDO:0021056, OMIM 175100. Disease mechanism: loss of function.

Submissions (2):

Labcorp Genetics (formerly Invitae), Labcorp
Classification: Uncertain significance for Familial adenomatous polyposis 1. Last evaluated: 2025-12-09. Review status: criteria provided, single submitter. Criteria: Invitae Variant Classification Sherloc (09022015). Collection method: clinical testing. Allele origin: germline.
Comment: This variant, c.4711_4713dup, results in the insertion of 1 amino acid(s) of the APC protein (p.Asp1571dup), but otherwise preserves the integrity of the reading frame. This variant is not present in population databases (gnomAD no frequency). This variant has not been reported in the literature in individuals affected with APC-related conditions. Experimental studies and prediction algorithms are not available or were not evaluated, and the functional significance of this variant is currently unknown. In summary, the available evidence is currently insufficient to determine the role of this variant in disease. Therefore, it has been classified as a Variant of Uncertain Significance.

Ambry Genetics
Classification: Uncertain significance for Hereditary cancer-predisposing syndrome. Last evaluated: 2019-03-01. Review status: criteria provided, single submitter. Criteria: Ambry Variant Classification Scheme 2023. Collection method: clinical testing. Allele origin: germline.
Comment: The c.4711_4713dupGAT variant (also known as p.D1571dup), located in coding exon 15 of the APC gene, results from an in-frame duplication of GAT at nucleotide positions 4711 to 4713. This results in the duplication of an extra amino acid residue between codons 1571 and 1572. Since supporting evidence is limited at this time, the clinical significance of this alteration remains unclear.

NM_000038.6(APC):c.4702GAT[5] (p.Asp1571dup)

Gene: APC (APC regulator of Wnt signaling pathway; plus strand). Cytogenetic location: 5q22.2.
Variant type: Microsatellite.
Coding change: c.4702GAT[5] on transcript NM_000038.6 (MANE Select); five copies in a row of the 3-base unit GAT starting at c.4702; the reference has four copies in a row; one copy, 3 bases duplicated.
Protein change: p.Asp1571dup; duplicates aspartic acid 1571.
Molecular consequence: inframe insertion.
Genome position (GRCh38, 1-based): chr5:112,840,305-112,840,307, GAT duplicated; duplicating any 3 consecutive bases within chr5:112,840,296-112,840,307 gives the same sequence; the position shown is the placement nearest the transcript's 3' end. VCF-style (leftmost placement, unchanged base first): chr5-112840295-A-AGAT. GRCh37 (hg19) VCF-style: chr5-112175992-A-AGAT.
Other names: c.4702GAT[5], p.Asp1571dup (NM_001127510.3, NM_001354895.2); c.4648GAT[5], p.Asp1553dup (NM_001127511.3); c.4756GAT[5], p.Asp1589dup (NM_001354896.2); c.4732GAT[5], p.Asp1581dup (NM_001354897.2); c.4627GAT[5], p.Asp1546dup (NM_001354898.2); c.4618GAT[5], p.Asp1543dup (NM_001354899.2); c.4579GAT[5], p.Asp1530dup (NM_001354900.2); c.4525GAT[5], p.Asp1512dup (NM_001354901.2); and 5 more.
Identifiers: ClinVar variation 825118 (VCV000825118.14), dbSNP rs587782888, ClinGen allele CA802020707.
Genomic context (GRCh38, chr5:112,840,295, plus strand): 5'-AAACCAAGAGAAAGAGGCAGAAAAAACTATTGATTCTGAAAAGGACCTATTAGATGATTC[A>AGAT]GATGATGATGATATTGAAATACTAGAAGAATGTATTATTTCTGCCATGCCAACAAAGTCA-3'